The following is an entry in ClinVar:

ClinVar aggregate classification (germline): Uncertain significance (1 of 4 stars; one submission).

Conditions:
Congenital disorder of glycosylation, type Ii. Also called: ALG2-congenital disorder of glycosylation; ALG2-CDG; CDG Ii. Identifiers: Orphanet 79326, MedGen C1842836, MONDO:0011933, OMIM 607906.
Congenital myasthenic syndrome 14. Also called: Myasthenic syndrome, congenital, 14, with tubular aggregates. Identifiers: Orphanet 353327, Orphanet 590, MedGen C4015597, MONDO:0014543, OMIM 616228.

Allele frequency attached by ClinVar (database versions not stated): TOPMed below 0.00001.

Submission:

Labcorp Genetics (formerly Invitae), Labcorp
Classification: Uncertain significance for Congenital disorder of glycosylation, type Ii; Congenital myasthenic syndrome 14. Last evaluated: 2022-02-20. Review status: criteria provided, single submitter. Criteria: Invitae Variant Classification Sherloc (09022015). Collection method: clinical testing. Allele origin: germline.
Comment: In summary, the available evidence is currently insufficient to determine the role of this variant in disease. Therefore, it has been classified as a Variant of Uncertain Significance. Algorithms developed to predict the effect of sequence changes on RNA splicing suggest that this variant may create or strengthen a splice site. Algorithms developed to predict the effect of missense changes on protein structure and function are either unavailable or do not agree on the potential impact of this missense change (SIFT: "Deleterious"; PolyPhen-2: "Probably Damaging"; Align-GVGD: "Class C15"). This variant has not been reported in the literature in individuals affected with ALG2-related conditions. This variant is not present in population databases (gnomAD no frequency). This sequence change replaces aspartic acid, which is acidic and polar, with tyrosine, which is neutral and polar, at codon 73 of the ALG2 protein (p.Asp73Tyr).

NM_033087.4(ALG2):c.217G>T (p.Asp73Tyr)

Gene: ALG2 (ALG2 alpha-1,3/1,6-mannosyltransferase; minus strand). Cytogenetic location: 9q22.33.
Variant type: single nucleotide variant.
Coding change: c.217G>T on transcript NM_033087.4 (MANE Select); coding-DNA position 217, G replaced by T.
Protein change: p.Asp73Tyr; replaces aspartic acid 73 with tyrosine.
Molecular consequence: missense variant. On other transcripts: non-coding transcript variant (1).
Genome position (GRCh38, 1-based): chr9:99,221,678, C>A on the plus strand (G>T on the coding strand, the complement: ALG2 is on the minus strand). VCF-style: chr9-99221678-C-A. GRCh37 (hg19) VCF-style: chr9-101983960-C-A.
Other names: short protein forms D73Y.
Identifiers: ClinVar variation 1381307 (VCV001381307.8), dbSNP rs375634924, ClinGen allele CA374231855.